The following is an entry in ClinVar:

NM_004360.5(CDH1):c.1712G>A (p.Gly571Asp)

Gene: CDH1 (cadherin 1; plus strand). Cytogenetic location: 16q22.1.
Variant type: single nucleotide variant.
Coding change: c.1712G>A on transcript NM_004360.5 (MANE Select); coding-DNA position 1712, G replaced by A.
Protein change: p.Gly571Asp; replaces glycine 571 with aspartic acid.
Molecular consequence: missense variant. On other transcripts: 5 prime UTR variant (1).
Genome position (GRCh38, 1-based): chr16:68,822,001, G>A. VCF-style: chr16-68822001-G-A. GRCh37 (hg19) VCF-style: chr16-68855904-G-A.
Other names: c.1529G>A, p.Gly510Asp (NM_001317184.2); c.164G>A, p.Gly55Asp (NM_001317185.2); c.-254G>A (NM_001317186.2); c.1712G>A (NM_004360.3); short protein forms G510D, G55D, G571D.
Identifiers: ClinVar variation 1462505 (VCV001462505.9), dbSNP rs1961155617, ClinGen allele CA396466138.

ClinVar aggregate classification (germline): Uncertain significance. Review status: criteria provided, multiple submitters, no conflicts (2 of 4 stars). 2 submissions from 2 submitters: Uncertain significance (2). Last evaluated 2024-07-19.

Conditions:
Hereditary cancer-predisposing syndrome. Also called: Neoplastic Syndromes, Hereditary; Hereditary Cancer Syndrome; Tumor predisposition; Hereditary neoplastic syndrome. Identifiers: Orphanet 140162, MedGen C0027672, MeSH D009386, MONDO:0015356.
Hereditary diffuse gastric adenocarcinoma (HDGC). Also called: DIFFUSE GASTRIC AND LOBULAR BREAST CANCER SYNDROME. Identifiers: Orphanet 26106, MedGen C1708349, MONDO:0007648, OMIM 137215.

Allele frequency attached by ClinVar (database versions not stated): gnomAD 0.00001.
gnomAD v4.1: 1 of 1,610,566 alleles (0.000062%); no homozygotes.

Submissions (2):

Ambry Genetics
Classification: Uncertain significance for Hereditary cancer-predisposing syndrome. Last evaluated: 2024-07-19. Review status: criteria provided, single submitter. Criteria: Ambry Variant Classification Scheme 2023. Collection method: clinical testing. Allele origin: germline.
Comment: The p.G571D variant (also known as c.1712G>A) is located in coding exon 12 of the CDH1 gene. The glycine at codon 571 is replaced by aspartic acid, an amino acid with similar properties. This change occurs in the first base pair of coding exon 12. This amino acid position is well conserved in available vertebrate species. In addition, the in silico prediction for this alteration is inconclusive. Since supporting evidence is limited at this time, the clinical significance of this alteration remains unclear.

Labcorp Genetics (formerly Invitae), Labcorp
Classification: Uncertain significance for Hereditary diffuse gastric adenocarcinoma. Last evaluated: 2021-11-05. Review status: criteria provided, single submitter. Criteria: Invitae Variant Classification Sherloc (09022015). Collection method: clinical testing. Allele origin: germline.
Comment: This sequence change replaces glycine, which is neutral and non-polar, with aspartic acid, which is acidic and polar, at codon 571 of the CDH1 protein (p.Gly571Asp). This variant is not present in population databases (gnomAD no frequency). This variant has not been reported in the literature in individuals affected with CDH1-related conditions. Algorithms developed to predict the effect of missense changes on protein structure and function (SIFT, PolyPhen-2, Align-GVGD) all suggest that this variant is likely to be tolerated. In summary, the available evidence is currently insufficient to determine the role of this variant in disease. Therefore, it has been classified as a Variant of Uncertain Significance.